The following is an entry in ClinVar:

NM_000052.7(ATP7A):c.684G>C (p.Gln228His)

Gene: ATP7A (ATPase copper transporting alpha; plus strand). Cytogenetic location: Xq21.1.
Variant type: single nucleotide variant.
Coding change: c.684G>C on transcript NM_000052.7 (MANE Select); coding-DNA position 684, G replaced by C.
Protein change: p.Gln228His; replaces glutamine 228 with histidine.
Molecular consequence: missense variant.
Genome position (GRCh38, 1-based): chrX:77,989,306, G>C. VCF-style: chrX-77989306-G-C. GRCh37 (hg19) VCF-style: chrX-77244802-G-C.
Other names: c.684G>C, p.Gln228His (NM_001282224.2); short protein forms Q228H.
Identifiers: ClinVar variation 5020892 (VCV005020892.1).

ClinVar aggregate classification (germline): Uncertain significance (1 of 4 stars; one submission).

gnomAD v4.1: 1 of 1,211,392 alleles (0.000083%); highest among the groups gnomAD compares: Non-Finnish European, 0.00011%; no homozygotes.

Submission:

Dasa
Classification: Uncertain significance. Last evaluated: 2025-08-12. Review status: criteria provided, single submitter. Criteria: DASA Assertion Criteria. Collection method: clinical testing. Allele origin: germline.
Comment: NM_000052.7(ATP7A):c.684G>C (p.Gln228His) is a missense variant that results in the substitution of glutamine with histidine. This variant is rare in population databases. Computational prediction algorithms are consistent with a benign effect. The currently available literature and clinical evidence are not sufficient to establish a definitive association between this variant and the reported condition. Therefore, this variant is classified as a variant of uncertain significance.